The following is an entry in ClinVar:

NM_000038.6(APC):c.4546A>T (p.Ile1516Leu)

Gene: APC (APC regulator of Wnt signaling pathway; plus strand). Cytogenetic location: 5q22.2.
Variant type: single nucleotide variant.
Coding change: c.4546A>T on transcript NM_000038.6 (MANE Select); coding-DNA position 4546, A replaced by T.
Protein change: p.Ile1516Leu; replaces isoleucine 1516 with leucine.
Molecular consequence: missense variant.
Genome position (GRCh38, 1-based): chr5:112,840,140, A>T. VCF-style: chr5-112840140-A-T. GRCh37 (hg19) VCF-style: chr5-112175837-A-T.
Other names: c.4546A>T, p.Ile1516Leu (NM_001127510.3, NM_001354895.2); c.4492A>T, p.Ile1498Leu (NM_001127511.3); c.4600A>T, p.Ile1534Leu (NM_001354896.2); c.4576A>T, p.Ile1526Leu (NM_001354897.2); c.4471A>T, p.Ile1491Leu (NM_001354898.2); c.4462A>T, p.Ile1488Leu (NM_001354899.2); c.4423A>T, p.Ile1475Leu (NM_001354900.2); c.4369A>T, p.Ile1457Leu (NM_001354901.2); and 5 more; short protein forms I1233L, I1356L, I1390L, I1415L, I1457L, I1516L, I1475L, I1488L.
Identifiers: ClinVar variation 824991 (VCV000824991.5), dbSNP rs1554085952, ClinGen allele CA16031280.

ClinVar aggregate classification (germline): Uncertain significance (1 of 4 stars; one submission).

Conditions:
Hereditary cancer-predisposing syndrome. Also called: Neoplastic Syndromes, Hereditary; Tumor predisposition; Hereditary neoplastic syndrome; Hereditary Cancer Syndrome. Identifiers: Orphanet 140162, MedGen C0027672, MeSH D009386, MONDO:0015356.

Submission:

Ambry Genetics
Classification: Uncertain significance for Hereditary cancer-predisposing syndrome. Last evaluated: 2024-12-13. Review status: criteria provided, single submitter. Criteria: Ambry Variant Classification Scheme 2023. Collection method: clinical testing. Allele origin: germline.
Comment: The p.I1516L variant (also known as c.4546A>T), located in coding exon 15 of the APC gene, results from an A to T substitution at nucleotide position 4546. The isoleucine at codon 1516 is replaced by leucine, an amino acid with highly similar properties. This amino acid position is highly conserved in available vertebrate species. In addition, in silico predictors for this gene do not accurately predict pathogenicity. Missense alterations in APC are not a common cause of disease (Spier I et al. Genet Med. 2024 Feb;26(2):100992). Based on the available evidence, the clinical significance of this variant remains unclear.